The following is an entry in ClinVar:

ClinVar aggregate classification (germline): Benign/Likely benign. Review status: criteria provided, multiple submitters, no conflicts (2 of 4 stars). 15 submissions from 11 submitters: Benign (6); Likely benign (7). 2 of the submissions do not count toward it. Last evaluated 2026-02-01.

Conditions:
Congenital myasthenic syndrome 16. Identifiers: Orphanet 590, MedGen C3280112, MONDO:0013620, OMIM 614198.
Hyperkalemic periodic paralysis. Also called: Gamstorp disease; Familial hyperkalemic periodic paralysis. Identifiers: Orphanet 682, MedGen C0238357, MONDO:0008224, OMIM 170500, HP:0007215.
Paramyotonia congenita of Von Eulenburg. Also called: Eulenburg disease; Myotonia congenita intermittens; Von Eulenburg paramyotonia congenita; Paramyotonia Congenita; PARALYSIS PERIODICA PARAMYOTONICA. Identifiers: Orphanet 684, MedGen C0221055, MONDO:0008195, OMIM 168300. Disease mechanism: loss of function.
Potassium-aggravated myotonia. Also called: MYOTONIA CONGENITA, ACETAZOLAMIDE-RESPONSIVE; MYOTONIA CONGENITA, ATYPICAL; Myotonia congenita, atypical, acetazolamide-responsive; SODIUM CHANNEL MUSCLE DISEASE. Identifiers: Orphanet 612, Orphanet 99734, Orphanet 99735, Orphanet 99736, MedGen C2931826, MONDO:0018959, OMIM 608390.
Hypokalemic periodic paralysis, type 1. Also called: HypoPP; Hypokalemic Periodic Paralysis Type 1 (AD). Identifiers: Orphanet 681, MedGen C3714580, MONDO:0042979, OMIM 170400.
Hypokalemic periodic paralysis, type 2 (HOKPP2). Identifiers: Orphanet 681, MedGen C2750061, MONDO:0013234, OMIM 613345.

Allele frequency attached by ClinVar (database versions not stated): gnomAD 0.01003 and 0.00988; 1000 Genomes Project 30x 0.00484; ExAC 0.00946; 1000 Genomes Project 0.00499; TOPMed 0.01087; gnomAD exomes 0.00990 and 0.01427; ESP Exome Variant Server 0.01170.
gnomAD v4.1: 22,345 of 1,613,998 alleles (1.4%); highest among the groups gnomAD compares: Non-Finnish European, 1.7%; 207 homozygotes.

Submissions (15):

Labcorp Genetics (formerly Invitae), Labcorp
Classification: Benign for Hyperkalemic periodic paralysis. Last evaluated: 2026-02-01. Review status: criteria provided, single submitter. Criteria: Invitae Variant Classification Sherloc (09022015). Collection method: clinical testing. Allele origin: germline.

Athena Diagnostics
Classification: Benign. Last evaluated: 2025-05-09. Review status: criteria provided, single submitter. Criteria: Athena Diagnostics Criteria. Collection method: clinical testing. Allele origin: unknown.
Comment: The frequency of this variant in the general population is higher than would generally be expected for pathogenic variants in this gene. Assessment of experimental evidence regarding the effect of this variant on protein function is inconclusive.

Fulgent Genetics
Classification: Likely benign for Paramyotonia congenita of Von Eulenburg; Hypokalemic periodic paralysis, type 1; Hyperkalemic periodic paralysis; Potassium-aggravated myotonia; Hypokalemic periodic paralysis, type 2; Congenital myasthenic syndrome 16. Last evaluated: 2021-11-09. Review status: criteria provided, single submitter. Criteria: ACMG Guidelines, 2015. Collection method: clinical testing. Allele origin: unknown.

Dubai Health Genomic Medicine Center, Dubai Health
Classification: Benign. Last evaluated: 2020-01-08. Review status: criteria provided, single submitter. Criteria: ACMG Guidelines, 2015. Collection method: clinical testing. Allele origin: germline. Affected: yes.

Illumina Laboratory Services, Illumina
Classification: Likely benign for Paramyotonia congenita of Von Eulenburg. Last evaluated: 2017-04-27. Review status: criteria provided, single submitter. Criteria: ICSL Variant Classification Criteria 13 December 2019. Collection method: clinical testing. Allele origin: germline.
Comment: This variant was observed as part of a predisposition screen in an ostensibly healthy population. A literature search was performed for the gene, cDNA change, and amino acid change (where applicable). No publications were found based on this search. Allele frequency data from public databases allowed determination this variant is unlikely to cause disease. Therefore, this variant is classified as likely benign.

Illumina Laboratory Services, Illumina
Classification: Likely benign for Hyperkalemic periodic paralysis. Last evaluated: 2017-04-27. Review status: criteria provided, single submitter. Criteria: ICSL Variant Classification Criteria 13 December 2019. Collection method: clinical testing. Allele origin: germline.
Comment: This variant was observed as part of a predisposition screen in an ostensibly healthy population. A literature search was performed for the gene, cDNA change, and amino acid change (where applicable). Publications were found based on this search. The evidence from the literature, in combination with allele frequency data from public databases where available, was sufficient to determine this variant is unlikely to cause disease. Therefore, this variant is classified as likely benign.

Illumina Laboratory Services, Illumina
Classification: Likely benign for Potassium-aggravated myotonia. Last evaluated: 2017-04-27. Review status: criteria provided, single submitter. Criteria: ICSL Variant Classification Criteria 13 December 2019. Collection method: clinical testing. Allele origin: germline.
Comment: the same text as in the submission from Illumina Laboratory Services, Illumina above.

Illumina Laboratory Services, Illumina
Classification: Likely benign for Congenital myasthenic syndrome 16. Last evaluated: 2017-04-27. Review status: criteria provided, single submitter. Criteria: ICSL Variant Classification Criteria 13 December 2019. Collection method: clinical testing. Allele origin: germline.
Comment: the same text as in the submission from Illumina Laboratory Services, Illumina above.

Illumina Laboratory Services, Illumina
Classification: Likely benign for Hypokalemic periodic paralysis, type 2. Last evaluated: 2017-04-27. Review status: criteria provided, single submitter. Criteria: ICSL Variant Classification Criteria 13 December 2019. Collection method: clinical testing. Allele origin: germline.
Comment: the same text as in the submission from Illumina Laboratory Services, Illumina above.

GeneDx
Classification: Benign. Last evaluated: 2016-10-19. Review status: criteria provided, single submitter. Criteria: GeneDx Variant Classification (06012015). Collection method: clinical testing. Allele origin: germline. Affected: yes.
Comment: This variant is considered likely benign or benign based on one or more of the following criteria: it is a conservative change, it occurs at a poorly conserved position in the protein, it is predicted to be benign by multiple in silico algorithms, and/or has population frequency not consistent with disease.

Eurofins Ntd Llc (ga)
Classification: Benign. Last evaluated: 2013-08-12. Review status: criteria provided, single submitter. Criteria: EGL Classification Definitions 2015. Collection method: clinical testing. Allele origin: germline. Observed: 1 variant allele, 1 heterozygote.

Breakthrough Genomics
Classification: Likely benign. Review status: criteria provided, single submitter. Criteria: ACMG Guidelines, 2015. Collection method: not provided. Allele origin: germline. Inheritance: Autosomal recessive inheritance. Affected: yes.

PreventionGenetics, part of Exact Sciences
Classification: Benign. Review status: criteria provided, single submitter. Criteria: ACMG Guidelines, 2015. Collection method: clinical testing. Allele origin: germline.

GeneReviews
No classification provided. Condition: Hyperkalemic periodic paralysis. Review status: no classification provided. Collection method: literature only. Allele origin: germline. Not counted in ClinVar's aggregate classification.

Genetic Services Laboratory, University of Chicago
Classification: Likely benign for AllHighlyPenetrant. Review status: no assertion criteria provided. Collection method: clinical testing. Allele origin: germline. Inheritance: Autosomal recessive inheritance. Not counted in ClinVar's aggregate classification.
Comment: Likely benign based on allele frequency in 1000 Genomes Project or ESP global frequency and its presence in a patient with a rare or unrelated disease phenotype. NOT Sanger confirmed.

Literature cited by the submitters: PubMed 27714768 (cited by Athena Diagnostics); PubMed 27858759 (cited by Athena Diagnostics); PubMed 15534250 (cited by Athena Diagnostics); PubMed 37234784 (cited by Athena Diagnostics); PubMed 30038349 (cited by Athena Diagnostics); PubMed 12898257 (cited by 3 submitters); NCBI Bookshelf NBK1496 (cited by GeneReviews).

NM_000334.4(SCN4A):c.2717G>C (p.Ser906Thr)

Genes: GH-LCR (growth hormone locus control region; plus strand), SCN4A (sodium voltage-gated channel alpha subunit 4; minus strand). Cytogenetic location: 17q23.3.
Variant type: single nucleotide variant.
Coding change: c.2717G>C on transcript NM_000334.4 (MANE Select); coding-DNA position 2717, G replaced by C.
Protein change: p.Ser906Thr; replaces serine 906 with threonine.
Molecular consequence: missense variant.
Genome position (GRCh38, 1-based): chr17:63,951,560, C>G on the plus strand (G>C on the coding strand, the complement: SCN4A is on the minus strand). VCF-style: chr17-63951560-C-G. GRCh37 (hg19) VCF-style: chr17-62028920-C-G.
Other names: short protein forms S906T.
Identifiers: ClinVar variation 21154 (VCV000021154.29), dbSNP rs41280102, ClinGen allele CA146047.